The following is an entry in ClinVar:

NM_033305.3(VPS13A):c.4279_4280insAATTCCT (p.Leu1427fs)

Gene: VPS13A (vacuolar protein sorting 13 homolog A; plus strand). Cytogenetic location: 9q21.2.
Variant type: Insertion.
Coding change: c.4279_4280insAATTCCT on transcript NM_033305.3 (MANE Select); coding-DNA positions 4279 to 4280, AATTCCT inserted.
Protein change: p.Leu1427fs; shifts the reading frame from leucine 1427.
Molecular consequence: frameshift variant.
Genome position: GRCh38 VCF-style: chr9-77314531-C-CAATTCCT. GRCh37 (hg19) VCF-style: chr9-79929447-C-CAATTCCT.
Other names: c.4162_4163insAATTCCT, p.Leu1388fs (NM_001018037.2); c.4279_4280insAATTCCT, p.Leu1427fs (NM_001018038.3, NM_015186.4); short protein forms L1388fs, L1427fs.
Identifiers: ClinVar variation 5011094 (VCV005011094.1).

ClinVar aggregate classification (germline): Pathogenic (1 of 4 stars; one submission).

Conditions:
VPS13A-related neurodegenerative disease. Also called: ACANTHOCYTOSIS WITH NEUROLOGIC DISORDER; LEVINE-CRITCHLEY SYNDROME; Choreoacanthocytosis; Chorea-acanthocytosis; Choreaacanthocytosis; VPS13A Disease. Identifiers: Orphanet 2388, MedGen C0393576, MONDO:0008695, OMIM 200150.

Submission:

Myriad Genetics, Inc.
Classification: Pathogenic for VPS13A-related neurodegenerative disease. Last evaluated: 2024-05-14. Review status: criteria provided, single submitter. Criteria: Myriad Autosomal Dominant, Autosomal Recessive and X-Linked Classification Criteria (2023). Collection method: clinical testing. Allele origin: unknown.
Comment: NM_033305.2(VPS13A):c.4279_4280ins7(L1427Qfs*5) is expected to be pathogenic in the context of VPS13A disease. This variant is predicted to lead to an abnormal or absent protein product due to the creation of a premature termination codon in VPS13A, a gene where loss-of-function variants are known to be pathogenic. Please note: this variant was assessed in the context of healthy population screening.